The following is an entry in ClinVar:

NM_018341.3(ERMARD):c.1740-9del

Gene: ERMARD (ER membrane associated RNA degradation; plus strand). Cytogenetic location: 6q27.
Variant type: Deletion.
Coding change: c.1740-9del on transcript NM_018341.3 (MANE Select); 9 bases into the intron before coding-DNA position 1740, one base deleted (T; older notation c.1740-9delT).
Molecular consequence: intron variant.
Genome position (GRCh38, 1-based): chr6:169,779,173, T deleted. VCF-style (leftmost placement, unchanged base first): chr6-169779172-CT-C. GRCh37 (hg19) VCF-style: chr6-170179268-CT-C.
Other names: c.1599-9del (NM_001278531.2); c.1521-9del (NM_001278533.2); c.1362-9del (NM_001278532.2).
Identifiers: ClinVar variation 511918 (VCV000511918.1), dbSNP rs1554242528, ClinGen allele CA658796877.
Genomic context (GRCh38, chr6:169,779,172, plus strand): 5'-TCTTTTTCCTGATGAAGGTGGAAAATACCAACATATCCTCACATTTTAATTTACTTTTAT[CT>C]GTTTTTAGTATCAGACTACTGTCCCCTGTGCTCAGCCTGATACTGTTACTCATTGCGCTG-3'

ClinVar aggregate classification (germline): Likely benign (1 of 4 stars; one submission).

Allele frequency attached by ClinVar (database versions not stated): gnomAD exomes below 0.00001.

Submission:

GeneDx
Classification: Likely benign. Last evaluated: 2017-09-13. Review status: criteria provided, single submitter. Criteria: GeneDx Variant Classification (06012015). Collection method: clinical testing. Allele origin: germline. Affected: yes.
Comment: This variant is considered likely benign or benign based on one or more of the following criteria: it is a conservative change, it occurs at a poorly conserved position in the protein, it is predicted to be benign by multiple in silico algorithms, and/or has population frequency not consistent with disease.